The following is an entry in ClinVar:

NM_001039591.3(USP9X):c.3942A>G (p.Thr1314=)

Gene: USP9X (ubiquitin specific peptidase 9 X-linked; plus strand). Cytogenetic location: Xp11.4.
Variant type: single nucleotide variant.
Coding change: c.3942A>G on transcript NM_001039591.3 (MANE Select); coding-DNA position 3942, A replaced by G.
Protein change: p.Thr1314=; no amino-acid change (threonine 1314 retained).
Molecular consequence: synonymous variant.
Genome position (GRCh38, 1-based): chrX:41,189,440, A>G. VCF-style: chrX-41189440-A-G. GRCh37 (hg19) VCF-style: chrX-41048693-A-G.
Other names: c.3942A>G, p.Thr1314= (NM_001039590.3); c.3957A>G, p.Thr1319= (NM_001410748.1, NM_001410749.1, NM_001437534.1).
Identifiers: ClinVar variation 4978791 (VCV004978791.1).

ClinVar aggregate classification (germline): Likely benign (1 of 4 stars; one submission).

Conditions:
USP9X-related disorder. Also called: USP9X-related condition.

gnomAD v4.1: 122 of 1,209,590 alleles (0.01%); highest among the groups gnomAD compares: Non-Finnish European, 0.013%; no homozygotes.

Submission:

PreventionGenetics, part of Exact Sciences
Classification: Likely benign for USP9X-related condition. Last evaluated: 2025-04-20. Review status: criteria provided, single submitter. Criteria: ACMG Guidelines, 2015. Collection method: clinical testing. Allele origin: germline.
Comment: This variant is classified as likely benign based on ACMG/AMP sequence variant interpretation guidelines (Richards et al. 2015 PMID: 25741868, with internal and published modifications).